The following is an entry in ClinVar:

ClinVar aggregate classification (germline): Conflicting classifications of pathogenicity. Review status: criteria provided, conflicting classifications (1 of 4 stars). 3 submissions from 3 submitters: Uncertain significance (2); Likely benign (1). Last evaluated 2025-12-02.

Conditions:
Inborn genetic diseases. Identifiers: MedGen C0950123, MeSH D030342.

gnomAD v4.1: 62 of 1,613,672 alleles (0.0038%); highest among the groups gnomAD compares: African/African-American, 0.079%; no homozygotes.

Submissions (3):

Dasa
Classification: Uncertain significance. Last evaluated: 2025-12-02. Review status: criteria provided, single submitter. Criteria: DASA Assertion Criteria. Collection method: clinical testing. Allele origin: germline.
Comment: NM_001012614.2(CTBP1):c.1075G>T (p.Val359Leu) is a missense variant that results in the substitution of valine with leucine. This variant is rare in population databases. The currently available literature and clinical evidence are not sufficient to establish a definitive association between this variant and the reported condition. Therefore, this variant is classified as a variant of uncertain significance.

Ambry Genetics
Classification: Likely benign for Inborn genetic diseases. Last evaluated: 2025-07-31. Review status: criteria provided, single submitter. Criteria: Ambry Variant Classification Scheme 2023. Collection method: clinical testing. Allele origin: germline.

Labcorp Genetics (formerly Invitae), Labcorp
Classification: Uncertain significance. Last evaluated: 2025-03-24. Review status: criteria provided, single submitter. Criteria: Invitae Variant Classification Sherloc (09022015). Collection method: clinical testing. Allele origin: germline.
Comment: This sequence change replaces valine, which is neutral and non-polar, with leucine, which is neutral and non-polar, at codon 370 of the CTBP1 protein (p.Val370Leu). This variant is present in population databases (rs7687296, gnomAD 0.07%), and has an allele count higher than expected for a pathogenic variant. This variant has not been reported in the literature in individuals affected with CTBP1-related conditions. An algorithm developed to predict the effect of missense changes on protein structure and function (PolyPhen-2) suggests that this variant is likely to be tolerated. In summary, the available evidence is currently insufficient to determine the role of this variant in disease. Therefore, it has been classified as a Variant of Uncertain Significance.

NM_001012614.2(CTBP1):c.1075G>T (p.Val359Leu)

Genes: CTBP1 (C-terminal binding protein 1; minus strand), CTBP1-AS (CTBP1 antisense RNA; plus strand). Cytogenetic location: 4p16.3.
Variant type: single nucleotide variant.
Coding change: c.1075G>T on transcript NM_001012614.2 (MANE Select); coding-DNA position 1075, G replaced by T.
Protein change: p.Val359Leu; replaces valine 359 with leucine.
Molecular consequence: missense variant.
Genome position (GRCh38, 1-based): chr4:1,212,944, C>A on the plus strand (G>T on the coding strand, the complement: CTBP1 is on the minus strand). VCF-style: chr4-1212944-C-A. GRCh37 (hg19) VCF-style: chr4-1206732-C-A.
Other names: c.1108G>T (NM_001328.2); c.1108G>T, p.Val370Leu (NM_001328.3, NM_001377186.1); c.1075G>T, p.Val359Leu (NM_001377187.1, NM_001377188.1, NM_001377189.1 and 4 more transcripts); short protein forms V359L, V370L.
Identifiers: ClinVar variation 3624149 (VCV003624149.5).